The following is an entry in ClinVar:

NM_182919.4(TICAM1):c.1222A>G (p.Ile408Val)

Gene: TICAM1 (TIR domain containing adaptor molecule 1; minus strand). Cytogenetic location: 19p13.3.
Variant type: single nucleotide variant.
Coding change: c.1222A>G on transcript NM_182919.4 (MANE Select); coding-DNA position 1222, A replaced by G.
Protein change: p.Ile408Val; replaces isoleucine 408 with valine.
Molecular consequence: missense variant.
Genome position (GRCh38, 1-based): chr19:4,817,156, T>C on the plus strand (A>G on the coding strand, the complement: TICAM1 is on the minus strand). VCF-style: chr19-4817156-T-C. GRCh37 (hg19) VCF-style: chr19-4817168-T-C.
Other names: short protein forms I408V.
Identifiers: ClinVar variation 934612 (VCV000934612.10), dbSNP rs749950910, ClinGen allele CA9105178.

ClinVar aggregate classification (germline): Uncertain significance (1 of 4 stars; one submission).

Conditions:
Encephalopathy, acute, infection-induced (herpes-specific), susceptibility to, 6. Also called: Herpes simplex encephalitis, susceptibility to, 4. Identifiers: Orphanet 1930, MedGen C3553869, MONDO:0013921, OMIM 614850.

Allele frequency attached by ClinVar (database versions not stated): gnomAD exomes below 0.00001; ExAC 0.00001.
gnomAD v4.1: 1 of 1,614,178 alleles (0.000062%); highest among the groups gnomAD compares: East Asian, 0.0022%; no homozygotes.

Submission:

Labcorp Genetics (formerly Invitae), Labcorp
Classification: Uncertain significance for Encephalopathy, acute, infection-induced (herpes-specific), susceptibility to, 6. Last evaluated: 2019-06-15. Review status: criteria provided, single submitter. Criteria: Invitae Variant Classification Sherloc (09022015). Collection method: clinical testing. Allele origin: germline.
Comment: In summary, the available evidence is currently insufficient to determine the role of this variant in disease. Therefore, it has been classified as a Variant of Uncertain Significance. Algorithms developed to predict the effect of missense changes on protein structure and function output the following: SIFT: "Tolerated"; PolyPhen-2: "Benign"; Align-GVGD: "Class C0". The valine amino acid residue is found in multiple mammalian species, suggesting that this missense change does not adversely affect protein function. These predictions have not been confirmed by published functional studies and their clinical significance is uncertain. This variant has not been reported in the literature in individuals with TICAM1-related conditions. This variant is present in population databases (rs749950910, ExAC 0.01%). This sequence change replaces isoleucine with valine at codon 408 of the TICAM1 protein (p.Ile408Val). The isoleucine residue is moderately conserved and there is a small physicochemical difference between isoleucine and valine.